The following is an entry in ClinVar:

ClinVar aggregate classification (germline): Likely pathogenic. Review status: criteria provided, multiple submitters, no conflicts (2 of 4 stars). 2 submissions from 2 submitters: Likely pathogenic (2). Last evaluated 2024-12-10.

Conditions:
Dilated cardiomyopathy 1G (CMD1G). Identifiers: Orphanet 154, MedGen C1858763, MONDO:0011400, OMIM 604145.
Autosomal recessive limb-girdle muscular dystrophy type 2J (LGMDR10). Also called: Limb-girdle muscular dystrophy, type 2J; MUSCULAR DYSTROPHY, LIMB-GIRDLE, AUTOSOMAL RECESSIVE 10. Identifiers: Orphanet 140922, MedGen C1837342, MONDO:0012127, OMIM 608807.

Allele frequency attached by ClinVar (database versions not stated): gnomAD exomes below 0.00001; TOPMed below 0.00001; gnomAD 0.00001.
gnomAD v4.1: 4 of 1,613,620 alleles (0.00025%); highest among the groups gnomAD compares: African/African-American, 0.0013%; no homozygotes.

Submissions (2):

Labcorp Genetics (formerly Invitae), Labcorp
Classification: Likely pathogenic for Dilated cardiomyopathy 1G; Autosomal recessive limb-girdle muscular dystrophy type 2J. Last evaluated: 2024-12-10. Review status: criteria provided, single submitter. Criteria: Invitae Variant Classification Sherloc (09022015). Collection method: clinical testing. Allele origin: germline.
Comment: This sequence change creates a premature translational stop signal (p.Arg5678*) in the TTN gene. While this is not anticipated to result in nonsense mediated decay, it is expected to create a truncated TTN protein. This variant is present in population databases (no rsID available, gnomAD 0.003%). This variant has not been reported in the literature in individuals affected with TTN-related conditions. ClinVar contains an entry for this variant (Variation ID: 1678094). Algorithms developed to predict the effect of sequence changes on RNA splicing suggest that this variant may disrupt the consensus splice site. This variant is located in the I band of TTN (PMID: 25589632). Truncating variants in this region have been reported in individuals affected with autosomal recessive centronuclear myopathy (PMID: 23975875, internal data). Truncating variants in this region have also been identified in individuals affected with autosomal dominant dilated cardiomyopathy and/or cardio-related conditions (PMID: 27869827, 32964742, internal data). In summary, the currently available evidence indicates that the variant is pathogenic, but additional data are needed to prove that conclusively. Therefore, this variant has been classified as Likely Pathogenic.

AiLife Diagnostics
Classification: Likely pathogenic. Last evaluated: 2021-08-11. Review status: criteria provided, single submitter. Criteria: ACMG Guidelines, 2015. Collection method: clinical testing. Allele origin: germline. Affected: yes. Observed: 1 variant allele.

Literature cited by the submitters: PubMed 25589632 (cited by Labcorp Genetics (formerly Invitae), Labcorp); PubMed 23975875 (cited by Labcorp Genetics (formerly Invitae), Labcorp); PubMed 27869827 (cited by Labcorp Genetics (formerly Invitae), Labcorp); PubMed 32964742 (cited by Labcorp Genetics (formerly Invitae), Labcorp).

NM_001267550.2(TTN):c.17032C>T (p.Arg5678Ter)

Genes: TTN (titin; minus strand), LOC126806431 (CDK7 strongly-dependent group 2 enhancer GRCh37_chr2:179595719-179596918; plus strand). Cytogenetic location: 2q31.2.
Variant type: single nucleotide variant.
Coding change: c.17032C>T on transcript NM_001267550.2 (MANE Select); coding-DNA position 17032, C replaced by T.
Protein change: p.Arg5678Ter; replaces arginine 5678 with a stop codon.
Molecular consequence: nonsense. On other transcripts: intron variant (3).
Genome position (GRCh38, 1-based): chr2:178,731,843, G>A on the plus strand (C>T on the coding strand, the complement: TTN is on the minus strand). VCF-style: chr2-178731843-G-A. GRCh37 (hg19) VCF-style: chr2-179596570-G-A.
Other names: c.16081C>T, p.Arg5361Ter (NM_001256850.1); c.13300C>T, p.Arg4434Ter (NM_133378.4); c.13282+6239C>T (NM_003319.4); c.13858+6239C>T (NM_133437.4); c.13657+6239C>T (NM_133432.3); short protein forms R4434*, R5361*, R5678*.
Identifiers: ClinVar variation 1678094 (VCV001678094.4), dbSNP rs1199616569, ClinGen allele CA349576434.